The following is an entry in ClinVar:

ClinVar aggregate classification (germline): Likely benign. Review status: criteria provided, multiple submitters, no conflicts (2 of 4 stars). 3 submissions from 3 submitters: Likely benign (3). Last evaluated 2025-03-18.

Conditions:
Long QT syndrome (LQTS). Identifiers: MedGen C0023976, MeSH D008133, MONDO:0002442. Disease mechanism: loss of function. Inheritance: Various modes of inheritance.
Cardiovascular phenotype. Identifiers: MedGen CN230736.

Allele frequency attached by ClinVar (database versions not stated): gnomAD exomes below 0.00001 and 0.00001; ExAC 0.00001; gnomAD 0.00001; TOPMed 0.00001.
gnomAD v4.1: 22 of 1,611,486 alleles (0.0014%); highest among the groups gnomAD compares: Middle Eastern, 0.017%; no homozygotes.

Submissions (3):

Labcorp Genetics (formerly Invitae), Labcorp
Classification: Likely benign for Long QT syndrome. Last evaluated: 2025-03-18. Review status: criteria provided, single submitter. Criteria: Invitae Variant Classification Sherloc (09022015). Collection method: clinical testing. Allele origin: germline.

CeGaT Center for Human Genetics Tuebingen
Classification: Likely benign. Last evaluated: 2024-04-01. Review status: criteria provided, single submitter. Criteria: CeGaT Center For Human Genetics Tuebingen Variant Classification Criteria Version 2. Collection method: clinical testing. Allele origin: germline. Affected: yes. Observed: 2 variant alleles.
Comment: CACNA1C: BP4

Ambry Genetics
Classification: Likely benign for Cardiovascular phenotype. Last evaluated: 2020-06-08. Review status: criteria provided, single submitter. Criteria: Ambry Variant Classification Scheme 2023. Collection method: clinical testing. Allele origin: germline.

NM_000719.7(CACNA1C):c.792C>A (p.Ala264=)

Gene: CACNA1C (calcium voltage-gated channel subunit alpha1 C; plus strand). Cytogenetic location: 12p13.33.
Variant type: single nucleotide variant.
Coding change: c.792C>A on transcript NM_000719.7 (MANE Select); coding-DNA position 792, C replaced by A.
Protein change: p.Ala264=; no amino-acid change (alanine 264 retained).
Molecular consequence: synonymous variant.
Genome position (GRCh38, 1-based): chr12:2,486,138, C>A. VCF-style: chr12-2486138-C-A. GRCh37 (hg19) VCF-style: chr12-2595304-C-A.
Other names: c.792C>A, p.Ala264= (NM_001129827.2, NM_001129829.2, NM_001129830.3 and 19 more transcripts).
Identifiers: ClinVar variation 444279 (VCV000444279.54), dbSNP rs750459136, ClinGen allele CA6388539.